The following is an entry in ClinVar:

ClinVar aggregate classification (germline): Uncertain significance. Review status: criteria provided, multiple submitters, no conflicts (2 of 4 stars). 2 submissions from 2 submitters: Uncertain significance (2). Last evaluated 2025-12-27.

Conditions:
Dyskeratosis congenita. Identifiers: Orphanet 1775, MedGen C0265965, MONDO:0015780.

Allele frequency attached by ClinVar (database versions not stated): gnomAD exomes below 0.00001; TOPMed below 0.00001.
gnomAD v4.1: 1 of 1,614,124 alleles (0.000062%); highest among the groups gnomAD compares: Non-Finnish European, 0.000085%; no homozygotes.

Submissions (2):

Dasa
Classification: Uncertain significance. Last evaluated: 2025-12-27. Review status: criteria provided, single submitter. Criteria: DASA Assertion Criteria. Collection method: clinical testing. Allele origin: germline.
Comment: NM_025099.6(CTC1):c.411T>G (p.Asp137Glu) is a missense variant that results in the substitution of aspartic acid with glutamic acid. This variant is rare in population databases. Computational prediction algorithms are consistent with a deleterious effect. The currently available literature and clinical evidence are not sufficient to establish a definitive association between this variant and the reported condition. Therefore, this variant is classified as a variant of uncertain significance.

Labcorp Genetics (formerly Invitae), Labcorp
Classification: Uncertain significance for Dyskeratosis congenita. Last evaluated: 2024-12-02. Review status: criteria provided, single submitter. Criteria: Invitae Variant Classification Sherloc (09022015). Collection method: clinical testing. Allele origin: germline.
Comment: This sequence change replaces aspartic acid, which is acidic and polar, with glutamic acid, which is acidic and polar, at codon 137 of the CTC1 protein (p.Asp137Glu). This variant is not present in population databases (gnomAD no frequency). This variant has not been reported in the literature in individuals affected with CTC1-related conditions. ClinVar contains an entry for this variant (Variation ID: 2415572). Invitae Evidence Modeling of protein sequence and biophysical properties (such as structural, functional, and spatial information, amino acid conservation, physicochemical variation, residue mobility, and thermodynamic stability) indicates that this missense variant is expected to disrupt CTC1 protein function with a positive predictive value of 80%. In summary, the available evidence is currently insufficient to determine the role of this variant in disease. Therefore, it has been classified as a Variant of Uncertain Significance.

NM_025099.6(CTC1):c.411T>G (p.Asp137Glu)

Gene: CTC1 (CST telomere replication complex component 1; minus strand). Cytogenetic location: 17p13.1.
Variant type: single nucleotide variant.
Coding change: c.411T>G on transcript NM_025099.6 (MANE Select); coding-DNA position 411, T replaced by G.
Protein change: p.Asp137Glu; replaces aspartic acid 137 with glutamic acid.
Molecular consequence: missense variant. On other transcripts: non-coding transcript variant (1).
Genome position (GRCh38, 1-based): chr17:8,238,416, A>C on the plus strand (T>G on the coding strand, the complement: CTC1 is on the minus strand). VCF-style: chr17-8238416-A-C. GRCh37 (hg19) VCF-style: chr17-8141734-A-C.
Other names: c.411T>G, p.Asp137Glu (NM_001411067.1); short protein forms D137E.
Identifiers: ClinVar variation 2415572 (VCV002415572.8), dbSNP rs1987929841, ClinGen allele CA397993064.